The following is an entry in ClinVar:

NM_006440.5(TXNRD2):c.490G>A (p.Glu164Lys)

Gene: TXNRD2 (thioredoxin reductase 2; minus strand). Cytogenetic location: 22q11.21.
Variant type: single nucleotide variant.
Coding change: c.490G>A on transcript NM_006440.5 (MANE Select); coding-DNA position 490, G replaced by A.
Protein change: p.Glu164Lys; replaces glutamic acid 164 with lysine.
Molecular consequence: missense variant. On other transcripts: non-coding transcript variant (1).
Genome position (GRCh38, 1-based): chr22:19,915,803, C>T on the plus strand (G>A on the coding strand, the complement: TXNRD2 is on the minus strand). VCF-style: chr22-19915803-C-T. GRCh37 (hg19) VCF-style: chr22-19903326-C-T.
Other names: c.490G>A, p.Glu164Lys (NM_001282512.3); c.487G>A, p.Glu163Lys (NM_001352300.2); c.400G>A, p.Glu134Lys (NM_001352301.2); c.202G>A, p.Glu68Lys (NM_001352302.2); c.394G>A, p.Glu132Lys (NM_001352303.2); short protein forms E132K, E163K, E134K, E164K, E68K.
Identifiers: ClinVar variation 1744039 (VCV001744039.4), dbSNP rs371149646, ClinGen allele CA10104180.

ClinVar aggregate classification (germline): Uncertain significance. Review status: criteria provided, multiple submitters, no conflicts (2 of 4 stars). 2 submissions from 2 submitters: Uncertain significance (2). Last evaluated 2025-10-23.

Conditions:
Cardiovascular phenotype. Identifiers: MedGen CN230736.
Primary dilated cardiomyopathy (DCM). Also called: Dilated Cardiomyopathy. Identifiers: Orphanet 217604, MedGen C0007193, MeSH D002311, MONDO:0005021, HP:0001644. Inheritance: Various modes of inheritance.

Allele frequency attached by ClinVar (database versions not stated): gnomAD exomes 0.00001; gnomAD 0.00002; TOPMed 0.00001; ExAC 0.00003; ESP Exome Variant Server 0.00008.
gnomAD v4.1: 23 of 1,614,044 alleles (0.0014%); highest among the groups gnomAD compares: Middle Eastern, 0.016%; no homozygotes.

Submissions (2):

Labcorp Genetics (formerly Invitae), Labcorp
Classification: Uncertain significance for Primary dilated cardiomyopathy. Last evaluated: 2025-10-23. Review status: criteria provided, single submitter. Criteria: Invitae Variant Classification Sherloc (09022015). Collection method: clinical testing. Allele origin: germline.
Comment: This sequence change replaces glutamic acid, which is acidic and polar, with lysine, which is basic and polar, at codon 164 of the TXNRD2 protein (p.Glu164Lys). This variant is present in population databases (rs371149646, gnomAD 0.01%). This variant has not been reported in the literature in individuals affected with TXNRD2-related conditions. ClinVar contains an entry for this variant (Variation ID: 1744039). Invitae Evidence Modeling of protein sequence and biophysical properties (such as structural, functional, and spatial information, amino acid conservation, physicochemical variation, residue mobility, and thermodynamic stability) indicates that this missense variant is not expected to disrupt TXNRD2 protein function with a negative predictive value of 80%. In summary, the available evidence is currently insufficient to determine the role of this variant in disease. Therefore, it has been classified as a Variant of Uncertain Significance.

Ambry Genetics
Classification: Uncertain significance for Cardiovascular phenotype. Last evaluated: 2022-04-09. Review status: criteria provided, single submitter. Criteria: Ambry Variant Classification Scheme 2023. Collection method: clinical testing. Allele origin: germline.
Comment: The p.E164K variant (also known as c.490G>A), located in coding exon 6 of the TXNRD2 gene, results from a G to A substitution at nucleotide position 490. The glutamic acid at codon 164 is replaced by lysine, an amino acid with similar properties. This amino acid position is conserved. In addition, this alteration is predicted to be tolerated by in silico analysis. Since supporting evidence is limited at this time, the clinical significance of this alteration remains unclear.